The following is an entry in ClinVar:

NM_015338.6(ASXL1):c.3445A>G (p.Met1149Val)

Gene: ASXL1 (ASXL transcriptional regulator 1; plus strand). Cytogenetic location: 20q11.21.
Variant type: single nucleotide variant.
Coding change: c.3445A>G on transcript NM_015338.6 (MANE Select); coding-DNA position 3445, A replaced by G.
Protein change: p.Met1149Val; replaces methionine 1149 with valine.
Molecular consequence: missense variant.
Genome position (GRCh38, 1-based): chr20:32,436,157, A>G. VCF-style: chr20-32436157-A-G. GRCh37 (hg19) VCF-style: chr20-31023960-A-G.
Other names: c.3262A>G, p.Met1088Val (NM_001363734.1); short protein forms M1088V, M1149V.
Identifiers: ClinVar variation 3792107 (VCV003792107.1).
Genomic context (GRCh38, chr20:32,436,157, plus strand): 5'-AGCATGTCAGAATCCCCACAAGTACCACTTACAAAAGACCAGAGCCATGGCTCGCTACGC[A>G]TGGGATCTTTACATGGTCTTGGAAAAAACAGTGGCATGGTTGATGGAAGCAGCCCCAGTT-3'
Protein context (NP_056153.2, residues 1139-1159): TKDQSHGSLR[Met1149Val]GSLHGLGKNS

ClinVar aggregate classification (germline): Uncertain significance (1 of 4 stars; one submission).

Conditions:
Inborn genetic diseases. Identifiers: MedGen C0950123, MeSH D030342.

Submission:

Ambry Genetics
Classification: Uncertain significance for Inborn genetic diseases. Last evaluated: 2025-01-08. Review status: criteria provided, single submitter. Criteria: Ambry Variant Classification Scheme 2023. Collection method: clinical testing. Allele origin: germline.
Comment: The p.M1149V variant (also known as c.3445A>G), located in coding exon 13 of the ASXL1 gene, results from an A to G substitution at nucleotide position 3445. The methionine at codon 1149 is replaced by valine, an amino acid with highly similar properties. This amino acid position is conserved. In addition, this alteration is predicted to be tolerated by in silico analysis. Based on the available evidence, the clinical significance of this variant remains unclear.